The following is an entry in ClinVar:

ClinVar aggregate classification (germline): Likely benign. Review status: criteria provided, multiple submitters, no conflicts (2 of 4 stars). 5 submissions from 5 submitters: Likely benign (5). Last evaluated 2026-01-19.

Conditions:
Catecholaminergic polymorphic ventricular tachycardia (CVPT). Also called: Catecholamine-induced polymorphic ventricular tachycardia. Identifiers: Orphanet 3286, MedGen C5574922, MONDO:0017990.
Cardiovascular phenotype. Identifiers: MedGen CN230736.
Cardiomyopathy (CMYO). Also called: Cardiomyopathies. Identifiers: Orphanet 167848, MedGen C0878544, MONDO:0004994, HP:0001638. Inheritance: Various modes of inheritance.
Catecholaminergic polymorphic ventricular tachycardia 1. Also called: RYR2-Related Catecholaminergic Polymorphic Ventricular Tachycardia; VENTRICULAR TACHYCARDIA, CATECHOLAMINERGIC POLYMORPHIC, 1, WITH OR WITHOUT ATRIAL DYSFUNCTION AND/OR DILATED CARDIOMYOPATHY; VENTRICULAR TACHYCARDIA, STRESS-INDUCED POLYMORPHIC 1. Identifiers: Orphanet 3286, MedGen C1631597, MONDO:0011484, OMIM 604772.

Allele frequency attached by ClinVar (database versions not stated): TOPMed 0.00002.
gnomAD v4.1: 31 of 1,613,868 alleles (0.0019%); highest among the groups gnomAD compares: Non-Finnish European, 0.0025%; no homozygotes.

Submissions (5):

Labcorp Genetics (formerly Invitae), Labcorp
Classification: Likely benign for Catecholaminergic polymorphic ventricular tachycardia 1. Last evaluated: 2026-01-19. Review status: criteria provided, single submitter. Criteria: Invitae Variant Classification Sherloc (09022015). Collection method: clinical testing. Allele origin: germline.

Blueprint Genetics
Classification: Likely benign. Last evaluated: 2024-03-14. Review status: criteria provided, single submitter. Criteria: ACMG Guidelines, 2015. Collection method: clinical testing. Allele origin: germline.

All of Us Research Program, National Institutes of Health
Classification: Likely benign for Catecholaminergic polymorphic ventricular tachycardia. Last evaluated: 2023-04-27. Review status: criteria provided, single submitter. Criteria: ACMG Guidelines, 2015. Collection method: clinical testing. Allele origin: germline. Inheritance: Autosomal dominant inheritance. Observed: 3 variant alleles, 3 heterozygotes.
Comment: This study involves interpretation of variants in research participants for the purpose of population health screening. Participant phenotype was not available at the time of variant classification. Additional details can be found in publication PMID: 35346344, PMCID: PMC8962531

Ambry Genetics
Classification: Likely benign for Cardiovascular phenotype. Last evaluated: 2022-04-03. Review status: criteria provided, single submitter. Criteria: Ambry Variant Classification Scheme 2023. Collection method: clinical testing. Allele origin: germline.

Color Diagnostics, LLC DBA Color Health
Classification: Likely benign for Cardiomyopathy. Last evaluated: 2018-07-02. Review status: criteria provided, single submitter. Criteria: ACMG Guidelines, 2015. Collection method: clinical testing. Allele origin: germline.

NM_001035.3(RYR2):c.2301G>A (p.Ser767=)

Gene: RYR2 (ryanodine receptor 2; plus strand). Cytogenetic location: 1q43.
Variant type: single nucleotide variant.
Coding change: c.2301G>A on transcript NM_001035.3 (MANE Select); coding-DNA position 2301, G replaced by A.
Protein change: p.Ser767=; no amino-acid change (serine 767 retained).
Molecular consequence: synonymous variant.
Genome position (GRCh38, 1-based): chr1:237,500,808, G>A. VCF-style: chr1-237500808-G-A. GRCh37 (hg19) VCF-style: chr1-237664108-G-A.
Other names: c.2301G>A, p.Ser767= (LRG_402t1).
Identifiers: ClinVar variation 628770 (VCV000628770.16), dbSNP rs117588730, ClinGen allele CA086009.